The following is an entry in ClinVar:

ClinVar aggregate classification (germline): Uncertain significance (1 of 4 stars; one submission).

Submission:

Labcorp Genetics (formerly Invitae), Labcorp
Classification: Uncertain significance. Last evaluated: 2025-06-12. Review status: criteria provided, single submitter. Criteria: Invitae Variant Classification Sherloc (09022015). Collection method: clinical testing. Allele origin: germline.
Comment: This sequence change replaces threonine, which is neutral and polar, with lysine, which is basic and polar, at codon 516 of the PACS2 protein (p.Thr516Lys). This variant is not present in population databases (gnomAD no frequency). This variant has not been reported in the literature in individuals affected with PACS2-related conditions. ClinVar contains an entry for this variant (Variation ID: 3641766). Invitae Evidence Modeling of protein sequence and biophysical properties (such as structural, functional, and spatial information, amino acid conservation, physicochemical variation, residue mobility, and thermodynamic stability) indicates that this missense variant is not expected to disrupt PACS2 protein function with a negative predictive value of 80%. In summary, the available evidence is currently insufficient to determine the role of this variant in disease. Therefore, it has been classified as a Variant of Uncertain Significance.

NM_001100913.3(PACS2):c.1547C>A (p.Thr516Lys)

Gene: PACS2 (phosphofurin acidic cluster sorting protein 2; plus strand). Cytogenetic location: 14q32.33.
Variant type: single nucleotide variant.
Coding change: c.1547C>A on transcript NM_001100913.3 (MANE Select); coding-DNA position 1547, C replaced by A.
Protein change: p.Thr516Lys; replaces threonine 516 with lysine.
Molecular consequence: missense variant.
Genome position (GRCh38, 1-based): chr14:105,382,835, C>A. VCF-style: chr14-105382835-C-A. GRCh37 (hg19) VCF-style: chr14-105849172-C-A.
Other names: c.1310C>A, p.Thr437Lys (NM_001243127.3); c.1535C>A, p.Thr512Lys (NM_015197.4); short protein forms T437K, T512K, T516K.
Identifiers: ClinVar variation 3641766 (VCV003641766.2).